The following is an entry in ClinVar:

NM_138615.3(DHX30):c.25A>T (p.Lys9Ter)

Gene: DHX30 (DExH-box helicase 30; plus strand). Cytogenetic location: 3p21.31.
Variant type: single nucleotide variant.
Coding change: c.25A>T on transcript NM_138615.3 (MANE Select); coding-DNA position 25, A replaced by T.
Protein change: p.Lys9Ter; replaces lysine 9 with a stop codon.
Molecular consequence: nonsense. On other transcripts: 5 prime UTR variant (2), non-coding transcript variant (1).
Genome position (GRCh38, 1-based): chr3:47,810,708, A>T. VCF-style: chr3-47810708-A-T. GRCh37 (hg19) VCF-style: chr3-47852198-A-T.
Other names: c.-226A>T (NM_001330990.2); c.-122A>T (NM_014966.4); short protein forms K9*.
Identifiers: ClinVar variation 2575537 (VCV002575537.2), dbSNP rs2549243181, ClinGen allele CA352575839.

ClinVar aggregate classification (germline): Likely pathogenic (1 of 4 stars; one submission).

Submission:

GeneDx
Classification: Likely pathogenic. Last evaluated: 2024-12-17. Review status: criteria provided, single submitter. Criteria: GeneDx Variant Classification Process June 2021. Collection method: clinical testing. Allele origin: germline. Affected: yes.
Comment: Not observed at significant frequency in large population cohorts (gnomAD); Has not been previously published as pathogenic or benign to our knowledge; Nonsense variant predicted to result in protein truncation or nonsense mediated decay in a gene for which loss of function is a known mechanism of disease